The following is an entry in ClinVar:

ClinVar aggregate classification (germline): Pathogenic (1 of 4 stars; one submission).

Submission:

ISCA site 14
Classification: Pathogenic. Last evaluated: 2011-08-12. Review status: criteria provided, single submitter. Criteria: Kaminsky et al. (Genet Med. 2011). Collection method: clinical testing. Allele origin: paternal. Affected: yes. Observed: 1 variant allele.
Comment: Copy number variation identified through the course of routine clinical cytogenomic testing in postnatal populations. Clinical assertions have been curated as described in Kaminsky et al. 2011.

GRCh38/hg38 9p24.3-24.2(chr9:204193-3468435)x3

Genes: DMRT3 (doublesex and mab-3 related transcription factor 3; plus strand), DMRT1 (doublesex and mab-3 related transcription factor 1; plus strand), DMRT2 (doublesex and mab-3 related transcription factor 2; plus strand), DOCK8 (dedicator of cytokinesis 8; plus strand), DOCK8-AS1 (DOCK8 antisense RNA 1; minus strand) and 65 more. Cytogenetic location: 9p24.3-24.2.
Variant type: copy number gain.
Change: copy number 3 (three copies instead of two) of chr9:204,193-3,468,435 (3.26 Mb, GRCh38 coordinates, 1-based), cytogenetic band 9p24.3-24.2.
Identifiers: ClinVar variation 59837 (VCV000059837.1).